The following is an entry in ClinVar:

ClinVar aggregate classification (germline): Uncertain significance. Review status: reviewed by expert panel (3 of 4 stars). 2 submissions from 2 submitters: Uncertain significance (1). 1 of the submissions does not count toward it. Last evaluated 2026-10-23.

Conditions:
Alexander disease (ALXDRD). Also called: Alexander's disease. Identifiers: Orphanet 58, MedGen C0270726, MONDO:0008752, OMIM 203450.

Submissions (2):

ClinGen Leukodystrophy and Leukoencephalopathy Variant Curation Expert Panel, ClinGen
Classification: Uncertain significance for Alexander disease. Last evaluated: 2026-10-23. Review status: reviewed by expert panel. Criteria: ClinGen Leuko ACMG Specifications GFAP V1.0. Collection method: curation. Allele origin: germline.
Comment: The NM_002055.5:c.192G>C variant in GFAP is a missense variant predicted to cause substitution of Glutamic acid by Aspartic acid at amino acid 64(p.Glu64Asp). This variant resides within a region, amino acids 59 – 88, of GFAP that is defined as a region enriched with pathogenic variants and with significant missense variation constraint by the ClinGen Leukodystrophy and Leukoencephalopathy Expert Panel Specifications to the ACMG/AMP Variant Interpretation Guidelines for GFAP Version 1.0.0 (PM1) and is absent from gnomAD v4.1.1 (PM2_Supporting). In summary, this variant meets the criteria to be classified as a Variant of Uncertain Significance (VUS) for Autosomal Dominant Alexander disease based on the ACMG/AMP criteria applied, as specified by the ClinGen Leukodystrophy and Leukoencephalopathy Expert Panel Specifications to the ACMG/AMP Variant Interpretation Guidelines for GFAP Version 1.0.0: PM1, PM2_Supporting.

GeneDx
Classification: Uncertain significance. Last evaluated: 2025-06-17. Review status: criteria provided, single submitter. Criteria: GeneDx Variant Classification Process June 2021. Collection method: clinical testing. Allele origin: germline. Affected: yes. Not counted in ClinVar's aggregate classification.
Comment: Has not been previously published as pathogenic or benign to our knowledge; Not observed at significant frequency in large population cohorts (gnomAD); In silico analysis suggests that this missense variant does not alter protein structure/function

NM_002055.5(GFAP):c.192G>C (p.Glu64Asp)

Gene: GFAP (glial fibrillary acidic protein; minus strand). Cytogenetic location: 17q21.31.
Variant type: single nucleotide variant.
Coding change: c.192G>C on transcript NM_002055.5 (MANE Select); coding-DNA position 192, G replaced by C.
Protein change: p.Glu64Asp; replaces glutamic acid 64 with aspartic acid.
Molecular consequence: missense variant.
Genome position (GRCh38, 1-based): chr17:44,915,295, C>G on the plus strand (G>C on the coding strand, the complement: GFAP is on the minus strand). VCF-style: chr17-44915295-C-G. GRCh37 (hg19) VCF-style: chr17-42992663-C-G.
Other names: NM_002055.5(GFAP):c.192G>C; p.Glu64Asp; c.192G>C, p.Glu64Asp (NM_001131019.3, NM_001242376.3, NM_001363846.2); short protein forms E64D.
Identifiers: ClinVar variation 4538863 (VCV004538863.2).
Genomic context (GRCh38, chr17:44,915,295, plus strand): 5'-GATGTAGCTGGCAAAGCGGTCATTGAGCTCCATCATCTCTGCCCGCTCACTGGCCCGGGT[C>G]TCCTTGAAGCCAGCATTGAGTGCCCCAGCCAGGGAGAAATCCACCCGGGTCGGGAGTGGA-3'
Protein context (NP_002046.1, residues 54-74): LAGALNAGFK[Glu64Asp]TRASERAEMM